The following is an entry in ClinVar:

NM_001083619.3(GRIA2):c.515A>G (p.Lys172Arg)

Gene: GRIA2 (glutamate ionotropic receptor AMPA type subunit 2; plus strand). Cytogenetic location: 4q32.1.
Variant type: single nucleotide variant.
Coding change: c.515A>G on transcript NM_001083619.3 (MANE Select); coding-DNA position 515, A replaced by G.
Protein change: p.Lys172Arg; replaces lysine 172 with arginine.
Molecular consequence: missense variant.
Genome position (GRCh38, 1-based): chr4:157,312,724, A>G. VCF-style: chr4-157312724-A-G. GRCh37 (hg19) VCF-style: chr4-158233876-A-G.
Other names: c.515A>G, p.Lys172Arg (NM_000826.6); c.374A>G, p.Lys125Arg (NM_001083620.3, NM_001379000.3, NM_001379001.3); short protein forms K125R, K172R.
Identifiers: ClinVar variation 1690458 (VCV001690458.2), dbSNP rs759123078, ClinGen allele CA358645606.
Genomic context (GRCh38, chr4:157,312,724, plus strand): 5'-TCTTTGCCTTCCTAGGCTTATCAACACTGCAAGCTGTGCTGGATTCTGCTGCTGAAAAGA[A>G]ATGGCAAGTGACTGCTATCAATGTGGGAAACATTAACAATGACAAGAAAGATGAGATGTA-3'
Protein context (NP_001077088.2, residues 162-182): QAVLDSAAEK[Lys172Arg]WQVTAINVGN

ClinVar aggregate classification (germline): Uncertain significance (1 of 4 stars; one submission).

Allele frequency attached by ClinVar (database versions not stated): gnomAD exomes below 0.00001.
gnomAD v4.1: 1 of 1,611,860 alleles (0.000062%); highest among the groups gnomAD compares: South Asian, 0.0011%; no homozygotes.

Submission:

Laboratorio de Genetica e Diagnostico Molecular, Hospital Israelita Albert Einstein
Classification: Uncertain significance. Last evaluated: 2021-10-08. Review status: criteria provided, single submitter. Criteria: ACMG Guidelines, 2015. Collection method: clinical testing. Allele origin: germline. Affected: yes.
Comment: ACMG classification criteria: BP4